The following is an entry in ClinVar:

ClinVar aggregate classification (germline): Uncertain significance. Review status: criteria provided, multiple submitters, no conflicts (2 of 4 stars). 3 submissions from 3 submitters: Uncertain significance (3). Last evaluated 2025-09-25.

Conditions:
Spastic paraplegia. Identifiers: MedGen C0037772, HP:0001258.

gnomAD v4.1: 4 of 1,613,850 alleles (0.00025%); highest among the groups gnomAD compares: Non-Finnish European, 0.00034%; no homozygotes.

Submissions (3):

Mayo Clinic Laboratories, Mayo Clinic
Classification: Uncertain significance. Last evaluated: 2025-09-25. Review status: criteria provided, single submitter. Criteria: ACMG Guidelines, 2015. Collection method: clinical testing. Allele origin: germline. Observed: 1 variant allele.

Labcorp Genetics (formerly Invitae), Labcorp
Classification: Uncertain significance for Spastic paraplegia. Last evaluated: 2025-02-23. Review status: criteria provided, single submitter. Criteria: Invitae Variant Classification Sherloc (09022015). Collection method: clinical testing. Allele origin: germline.
Comment: This sequence change replaces leucine, which is neutral and non-polar, with valine, which is neutral and non-polar, at codon 752 of the KIF5A protein (p.Leu752Val). This variant is not present in population databases (gnomAD no frequency). This variant has not been reported in the literature in individuals affected with KIF5A-related conditions. Invitae Evidence Modeling of protein sequence and biophysical properties (such as structural, functional, and spatial information, amino acid conservation, physicochemical variation, residue mobility, and thermodynamic stability) has been performed for this missense variant. However, the output from this modeling did not meet the statistical confidence thresholds required to predict the impact of this variant on KIF5A protein function. In summary, the available evidence is currently insufficient to determine the role of this variant in disease. Therefore, it has been classified as a Variant of Uncertain Significance.

Blueprint Genetics
Classification: Uncertain significance. Last evaluated: 2021-05-05. Review status: criteria provided, single submitter. Criteria: ACMG Guidelines, 2015. Collection method: clinical testing. Allele origin: germline.

NM_004984.4(KIF5A):c.2254C>G (p.Leu752Val)

Gene: KIF5A (kinesin family member 5A; plus strand). Cytogenetic location: 12q13.3.
Variant type: single nucleotide variant.
Coding change: c.2254C>G on transcript NM_004984.4 (MANE Select); coding-DNA position 2254, C replaced by G.
Protein change: p.Leu752Val; replaces leucine 752 with valine.
Molecular consequence: missense variant.
Genome position (GRCh38, 1-based): chr12:57,576,816, C>G. VCF-style: chr12-57576816-C-G. GRCh37 (hg19) VCF-style: chr12-57970599-C-G.
Other names: p.Leu752Val; c.1987C>G, p.Leu663Val (NM_001354705.2); short protein forms L663V, L752V.
Identifiers: ClinVar variation 3671680 (VCV003671680.4).